The following is an entry in ClinVar:

ClinVar aggregate classification (germline): Conflicting classifications of pathogenicity. Review status: criteria provided, conflicting classifications (1 of 4 stars). 4 submissions from 4 submitters: Likely pathogenic (1); Uncertain significance (2). 1 of the submissions does not count toward it. Last evaluated 2026-03-27.

Conditions:
Leukodystrophy, hypomyelinating, 8, with or without oligodontia and/or hypogonadotropic hypogonadism. Also called: LEUKODYSTROPHY, HYPOMYELINATING, 8, WITH HYPODONTIA AND HYPOGONADOTROPIC HYPOGONADISM; Hypomyelinating leukodystrophy 8 with or without oligodontia and-or hypogonadotropic hypogonadism; Endosteal sclerosis-cerebellar hypoplasia syndrome. Identifiers: Orphanet 85186, Orphanet 88637, MedGen C3280644, MONDO:0013722, OMIM 614381.

gnomAD v4.1: 46 of 1,613,934 alleles (0.0029%); highest among the groups gnomAD compares: African/African-American, 0.0053%; no homozygotes.

Submissions (4):

GeneDx
Classification: Uncertain significance. Last evaluated: 2026-03-27. Review status: criteria provided, single submitter. Criteria: GeneDx Variant Classification Process June 2021. Collection method: clinical testing. Allele origin: germline.
Comment: Observed with a pathogenic variant in unrelated patients with 4H leukodystrophy in published literature, but it is not known whether the variants occurred on the same (in cis) or on different (in trans) alleles (PMID: 25339210); In silico analysis supports that this missense variant has a deleterious effect on protein structure/function; In silico analysis suggests this variant may impact gene splicing. In the absence of RNA/functional studies, the actual effect of this sequence change is unknown.; This variant is associated with the following publications: (PMID: 25339210)

Labcorp Genetics (formerly Invitae), Labcorp
Classification: Uncertain significance. Last evaluated: 2024-03-04. Review status: criteria provided, single submitter. Criteria: Invitae Variant Classification Sherloc (09022015). Collection method: clinical testing. Allele origin: germline.
Comment: This sequence change replaces arginine, which is basic and polar, with leucine, which is neutral and non-polar, at codon 442 of the POLR3B protein (p.Arg442Leu). This variant is present in population databases (rs201153027, gnomAD 0.008%). This missense change has been observed in individuals with clinical features of autosomal recessive 4H leukodystrophy (PMID: 25339210). ClinVar contains an entry for this variant (Variation ID: 1184086). Advanced modeling of protein sequence and biophysical properties (such as structural, functional, and spatial information, amino acid conservation, physicochemical variation, residue mobility, and thermodynamic stability) performed at Invitae indicates that this missense variant is expected to disrupt POLR3B protein function with a positive predictive value of 80%. This variant disrupts the p.Arg442 amino acid residue in POLR3B. Other variant(s) that disrupt this residue have been observed in individuals with POLR3B-related conditions (PMID: 25339210), which suggests that this may be a clinically significant amino acid residue. In summary, the available evidence is currently insufficient to determine the role of this variant in disease. Therefore, it has been classified as a Variant of Uncertain Significance.

Broad Center for Mendelian Genomics, Broad Institute of MIT and Harvard
Classification: Likely pathogenic for Leukodystrophy, hypomyelinating, 8, with or without oligodontia and/or hypogonadotropic hypogonadism. Last evaluated: 2022-02-24. Review status: criteria provided, single submitter. Criteria: ACMG Guidelines, 2015. Collection method: curation. Allele origin: germline. Inheritance: Autosomal recessive inheritance.
Comment: The p.Arg442Leu variant in POLR3B has been reported in 2 individuals with 4H leukodystrophy (PMID: 25339210), and has been identified in 0.008% (2/24972) of African/African American chromosomes by the Genome Aggregation Database (gnomAD; dbSNP ID: rs201153027). Although this variant has been seen in the general population in a heterozygous state, its frequency is low enough to be consistent with a recessive carrier frequency. Of the 2 affected individuals, both were compound heterozygotes that carried reported pathogenic variants with unknown phase, which increases the likelihood that the p.Arg442Leu variant is pathogenic (VariationID: 31166; PMID: 25339210). This variant has also been reported in ClinVar (Variation ID#: 1184086) and has been interpreted as pathogenic by GeneReviews. Computational prediction tools and conservation analyses suggest that this variant may impact the protein, though this information is not predictive enough to determine pathogenicity. The number of missense variants reported in POLR3B in the general population is lower than expected, suggesting there is little benign variation in this gene and slightly increasing the possibility that a missense variant in this gene may not be tolerated. In summary, although additional studies are required to fully establish its clinical significance, this variant is likely pathogenic for autosomal recessive 4H leukodystrophy. ACMG/AMP Criteria applied: PM2, PM3, PP2, PP3 (Richards 2015).

GeneReviews
No classification provided. Condition: Leukodystrophy, hypomyelinating, 8, with or without oligodontia and/or hypogonadotropic hypogonadism. Review status: no classification provided. Collection method: literature only. Allele origin: germline. Not counted in ClinVar's aggregate classification.

Literature cited by the submitters: PubMed 25339210 (cited by Labcorp Genetics (formerly Invitae), Labcorp and GeneReviews); PubMed 22855961 (cited by GeneReviews).

NM_018082.6(POLR3B):c.1325G>T (p.Arg442Leu)

Gene: POLR3B (RNA polymerase III subunit B; plus strand). Cytogenetic location: 12q23.3.
Variant type: single nucleotide variant.
Coding change: c.1325G>T on transcript NM_018082.6 (MANE Select); coding-DNA position 1325, G replaced by T.
Protein change: p.Arg442Leu; replaces arginine 442 with leucine.
Molecular consequence: missense variant.
Genome position (GRCh38, 1-based): chr12:106,430,334, G>T. VCF-style: chr12-106430334-G-T. GRCh37 (hg19) VCF-style: chr12-106824112-G-T.
Other names: NM_018082.6(POLR3B):c.1325G>T; p.Arg442Leu; c.1151G>T, p.Arg384Leu (NM_001160708.2); short protein forms R384L, R442L.
Identifiers: ClinVar variation 1184086 (VCV001184086.8), dbSNP rs201153027, ClinGen allele CA6761926.